The following is an entry in ClinVar:

NM_006035.4(CDC42BPB):c.4148G>A (p.Arg1383Lys)

Gene: CDC42BPB (CDC42 binding protein kinase beta; minus strand). Cytogenetic location: 14q32.32.
Variant type: single nucleotide variant.
Coding change: c.4148G>A on transcript NM_006035.4 (MANE Select); coding-DNA position 4148, G replaced by A.
Protein change: p.Arg1383Lys; replaces arginine 1383 with lysine.
Molecular consequence: missense variant.
Genome position (GRCh38, 1-based): chr14:102,944,151, C>T on the plus strand (G>A on the coding strand, the complement: CDC42BPB is on the minus strand). VCF-style: chr14-102944151-C-T. GRCh37 (hg19) VCF-style: chr14-103410488-C-T.
Other names: c.4070G>A, p.Arg1357Lys (NM_001411054.1); short protein forms R1357K, R1383K.
Identifiers: ClinVar variation 3897254 (VCV003897254.1).
Genomic context (GRCh38, chr14:102,944,151, plus strand): 5'-CCGTCCCCCTGGATGCTCAGCAGGCAGAACCCAGAAGGGTAGCCCACACAGAGCCTGTCC[C>T]TGAGCACCGCCAGGCACTGCACGCTGCCGGGAGCCACAATCTCATTGAACTTTCTGTGGA-3'
Protein context (NP_006026.3, residues 1373-1393): PGSVQCLAVL[Arg1383Lys]DRLCVGYPSG

ClinVar aggregate classification (germline): Uncertain significance (1 of 4 stars; one submission).

Submission:

GeneDx
Classification: Uncertain significance. Last evaluated: 2024-11-03. Review status: criteria provided, single submitter. Criteria: GeneDx Variant Classification Process June 2021. Collection method: clinical testing. Allele origin: germline. Affected: yes.
Comment: Not observed at significant frequency in large population cohorts (gnomAD); In silico analysis indicates that this missense variant does not alter protein structure/function; Has not been previously published as pathogenic or benign to our knowledge